The following is an entry in ClinVar:

NM_000059.4(BRCA2):c.6574A>T (p.Met2192Leu)

Gene: BRCA2 (BRCA2 DNA repair associated; plus strand). Cytogenetic location: 13q13.1.
Variant type: single nucleotide variant.
Coding change: c.6574A>T on transcript NM_000059.4 (MANE Select); coding-DNA position 6574, A replaced by T.
Protein change: p.Met2192Leu; replaces methionine 2192 with leucine.
Molecular consequence: missense variant.
Genome position (GRCh38, 1-based): chr13:32,340,929, A>T. VCF-style: chr13-32340929-A-T. GRCh37 (hg19) VCF-style: chr13-32915066-A-T.
Other names: short protein forms M2192L.
Identifiers: ClinVar variation 1692124 (VCV001692124.5), dbSNP rs926784722, ClinGen allele CA387789921.

ClinVar aggregate classification (germline): Conflicting classifications of pathogenicity. Review status: criteria provided, conflicting classifications (1 of 4 stars). 4 submissions from 4 submitters: Uncertain significance (3); Likely benign (1). Last evaluated 2026-07-06.

Conditions:
Hereditary cancer-predisposing syndrome. Also called: Tumor predisposition; Hereditary neoplastic syndrome; Neoplastic Syndromes, Hereditary; Hereditary Cancer Syndrome. Identifiers: Orphanet 140162, MedGen C0027672, MeSH D009386, MONDO:0015356.

Submissions (4):

Ambry Genetics
Classification: Uncertain significance for Hereditary cancer-predisposing syndrome. Last evaluated: 2026-07-06. Review status: criteria provided, single submitter. Criteria: Ambry Variant Classification Scheme 2023. Collection method: clinical testing. Allele origin: germline.
Comment: The p.M2192L variant (also known as c.6574A>T), located in coding exon 10 of the BRCA2 gene, results from an A to T substitution at nucleotide position 6574. The methionine at codon 2192 is replaced by leucine, an amino acid with highly similar properties. This amino acid position is conserved. In addition, this alteration is predicted to be tolerated by in silico analysis. Based on the available evidence, the clinical significance of this variant remains unclear.

Color Diagnostics, LLC DBA Color Health
Classification: Uncertain significance for Hereditary cancer-predisposing syndrome. Last evaluated: 2025-08-22. Review status: criteria provided, single submitter. Criteria: ACMG Guidelines, 2015. Collection method: clinical testing. Allele origin: germline.
Comment: This missense variant replaces methionine with leucine at codon 2192 of the BRCA2 protein. Computational prediction suggests that this variant may not impact protein structure and function. To our knowledge, functional studies have not been reported for this variant. This variant has not been reported in individuals affected with BRCA2-related disorders in the literature. This variant has not been identified in the general population by the Genome Aggregation Database (gnomAD). The available evidence is insufficient to determine the role of this variant in disease conclusively. Therefore, this variant is classified as a Variant of Uncertain Significance.

University of Washington Department of Laboratory Medicine, University of Washington
Classification: Likely benign for Hereditary cancer-predisposing syndrome. Last evaluated: 2023-03-23. Review status: criteria provided, single submitter. Criteria: Dines et al. (Genet Med. 2020). Collection method: curation. Allele origin: germline.
Comment: Missense variant in a coldspot region where missense variants are very unlikely to be pathogenic (PMID:31911673).

BRCA2 exon 11 coldspot. Reclassification based on statistical prior probability.

Sema4
Classification: Uncertain significance for Hereditary cancer-predisposing syndrome. Last evaluated: 2021-04-21. Review status: criteria provided, single submitter. Criteria: Sema4 Curation Guidelines. Collection method: curation. Allele origin: germline.
Comment: The BRCA2 c.6574A>T (p.M2192L) variant has not been reported in the literature to our knowledge. It was not observed in the large and broad cohorts of the Genome Aggregation Database (PMID: 32461654). The variant has not been reported in ClinVar. In silico tools suggest the impact of the variant on protein function is inconclusive, though these predictions have not been confirmed by functional studies. The evidence is insufficient to meet ACMG/AMP criteria for classifying the variant as benign or pathogenic. Thus, the clinical significance of this variant is currently uncertain.